The following is an entry in ClinVar:

ClinVar aggregate classification (germline): Uncertain significance (1 of 4 stars; one submission).

Submission:

Ambry Genetics
Classification: Uncertain significance. Last evaluated: 2024-12-20. Review status: criteria provided, single submitter. Criteria: Ambry Variant Classification Scheme 2023. Collection method: clinical testing. Allele origin: germline.
Comment: The p.H273R variant (also known as c.818A>G), located in coding exon 7 of the GEN1 gene, results from an A to G substitution at nucleotide position 818. The histidine at codon 273 is replaced by arginine, an amino acid with highly similar properties. This amino acid position is conserved. In addition, the in silico prediction for this alteration is inconclusive. Based on the available evidence, the clinical significance of this variant remains unclear.

NM_001130009.3(GEN1):c.818A>G (p.His273Arg)

Gene: GEN1 (GEN1 Holliday junction 5' flap endonuclease; plus strand). Cytogenetic location: 2p24.2.
Variant type: single nucleotide variant.
Coding change: c.818A>G on transcript NM_001130009.3 (MANE Select); coding-DNA position 818, A replaced by G.
Protein change: p.His273Arg; replaces histidine 273 with arginine.
Molecular consequence: missense variant.
Genome position (GRCh38, 1-based): chr2:17,772,649, A>G. VCF-style: chr2-17772649-A-G. GRCh37 (hg19) VCF-style: chr2-17953916-A-G.
Other names: c.818A>G, p.His273Arg (NM_182625.5); short protein forms H273R.
Identifiers: ClinVar variation 3853440 (VCV003853440.1).